The following is an entry in ClinVar:

ClinVar aggregate classification (germline): Uncertain significance (1 of 4 stars; one submission).

Allele frequency attached by ClinVar (database versions not stated): gnomAD exomes below 0.00001.
gnomAD v4.1: 1 of 1,612,552 alleles (0.000062%); highest among the groups gnomAD compares: South Asian, 0.0011%; no homozygotes.

Submission:

Labcorp Genetics (formerly Invitae), Labcorp
Classification: Uncertain significance. Last evaluated: 2022-07-25. Review status: criteria provided, single submitter. Criteria: Invitae Variant Classification Sherloc (09022015). Collection method: clinical testing. Allele origin: germline.
Comment: In summary, the available evidence is currently insufficient to determine the role of this variant in disease. Therefore, it has been classified as a Variant of Uncertain Significance. Algorithms developed to predict the effect of missense changes on protein structure and function (SIFT, PolyPhen-2, Align-GVGD) all suggest that this variant is likely to be tolerated. This variant has not been reported in the literature in individuals affected with PACS2-related conditions. This variant is not present in population databases (gnomAD no frequency). This sequence change replaces glutamine, which is neutral and polar, with arginine, which is basic and polar, at codon 771 of the PACS2 protein (p.Gln771Arg).

NM_001100913.3(PACS2):c.2312A>G (p.Gln771Arg)

Gene: PACS2 (phosphofurin acidic cluster sorting protein 2; plus strand). Cytogenetic location: 14q32.33.
Variant type: single nucleotide variant.
Coding change: c.2312A>G on transcript NM_001100913.3 (MANE Select); coding-DNA position 2312, A replaced by G.
Protein change: p.Gln771Arg; replaces glutamine 771 with arginine.
Molecular consequence: missense variant.
Genome position (GRCh38, 1-based): chr14:105,392,675, A>G. VCF-style: chr14-105392675-A-G. GRCh37 (hg19) VCF-style: chr14-105859012-A-G.
Other names: c.2042A>G, p.Gln681Arg (NM_001243127.3); c.2267A>G, p.Gln756Arg (NM_015197.4); short protein forms Q681R, Q756R, Q771R.
Identifiers: ClinVar variation 1713605 (VCV001713605.5), dbSNP rs2544898971, ClinGen allele CA391186749.